The following is an entry in ClinVar:

ClinVar aggregate classification (germline): Pathogenic (1 of 4 stars; one submission).

Conditions:
Inborn genetic diseases. Identifiers: MedGen C0950123, MeSH D030342.

gnomAD v4.1: 4 of 1,614,042 alleles (0.00025%); highest among the groups gnomAD compares: Non-Finnish European, 0.00025%; no homozygotes.

Submission:

Ambry Genetics
Classification: Pathogenic for Inborn genetic diseases. Last evaluated: 2026-05-26. Review status: criteria provided, single submitter. Criteria: Ambry Variant Classification Scheme 2023. Collection method: clinical testing. Allele origin: germline.
Comment: The c.754C>T (p.Q252*) alteration, located in exon 8 (coding exon 8) of the FDXR gene, consists of a C to T substitution at nucleotide position 754. This changes the amino acid from a glutamine (Q) to a stop codon at amino acid position 252. This variant is expected to result in loss of function by premature protein truncation or nonsense-mediated mRNA decay. This variant was not reported in population-based cohorts in the Genome Aggregation Database (gnomAD). This variant has been identified in conjunction with other FDXR variant(s) in individual(s) with features consistent with FDXR-related mitochondrial encephalomyopathy (Campbell, 2024; Pignatti, 2024). Based on the available evidence, this alteration is classified as pathogenic.

Literature cited by the submitters: PubMed 38885337; PubMed 39669623.

NM_024417.5(FDXR):c.736C>T (p.Gln246Ter)

Gene: FDXR (ferredoxin reductase; minus strand). Cytogenetic location: 17q25.1.
Variant type: single nucleotide variant.
Coding change: c.736C>T on transcript NM_024417.5 (MANE Select); coding-DNA position 736, C replaced by T.
Protein change: p.Gln246Ter; replaces glutamine 246 with a stop codon.
Molecular consequence: nonsense. On other transcripts: non-coding transcript variant (1).
Genome position (GRCh38, 1-based): chr17:74,864,546, G>A on the plus strand (C>T on the coding strand, the complement: FDXR is on the minus strand). VCF-style: chr17-74864546-G-A. GRCh37 (hg19) VCF-style: chr17-72860668-G-A.
Other names: c.865C>T, p.Gln289Ter (NM_001258012.4); c.829C>T, p.Gln277Ter (NM_001258013.4); c.712C>T, p.Gln238Ter (NM_001258014.4); c.616C>T, p.Gln206Ter (NM_001258015.3); c.580C>T, p.Gln194Ter (NM_001258016.3); c.754C>T, p.Gln252Ter (NM_004110.6); short protein forms Q194*, Q206*, Q238*, Q246*, Q252*, Q277*, Q289*.
Identifiers: ClinVar variation 4871298 (VCV004871298.1).